The following is an entry in ClinVar:

NM_000069.3(CACNA1S):c.2208C>T (p.Tyr736=)

Gene: CACNA1S (calcium voltage-gated channel subunit alpha1 S; minus strand). Cytogenetic location: 1q32.1.
Variant type: single nucleotide variant.
Coding change: c.2208C>T on transcript NM_000069.3 (MANE Select); coding-DNA position 2208, C replaced by T.
Protein change: p.Tyr736=; no amino-acid change (tyrosine 736 retained).
Molecular consequence: synonymous variant.
Genome position (GRCh38, 1-based): chr1:201,072,774, G>A on the plus strand (C>T on the coding strand, the complement: CACNA1S is on the minus strand). VCF-style: chr1-201072774-G-A. GRCh37 (hg19) VCF-style: chr1-201041902-G-A.
Identifiers: ClinVar variation 3072167 (VCV003072167.1), dbSNP rs1235924070, ClinGen allele CA422688341.

ClinVar aggregate classification (germline): Uncertain significance (1 of 4 stars; one submission).

Conditions:
Malignant hyperthermia, susceptibility to, 5 (MHS5). Also called: CACNA1S-Related Malignant Hyperthermia Susceptibility. Identifiers: Orphanet 423, MedGen C1866077, MONDO:0011163, OMIM 601887.

Allele frequency attached by ClinVar (database versions not stated): gnomAD exomes below 0.00001; gnomAD 0.00001; TOPMed 0.00001.

Submission:

All of Us Research Program, National Institutes of Health
Classification: Uncertain significance for Malignant hyperthermia, susceptibility to, 5. Last evaluated: 2023-06-26. Review status: criteria provided, single submitter. Criteria: ACMG Guidelines, 2015. Collection method: clinical testing. Allele origin: germline. Inheritance: Autosomal dominant inheritance. Observed: 1 variant allele, 1 heterozygote.
Comment: This variant is located in the CACNA1S protein. To our knowledge, functional studies have not been reported for this variant. This variant has not been reported in individuals affected with CACNA1S-related disorders in the literature. This variant has not been identified in the general population by the Genome Aggregation Database (gnomAD). The available evidence is insufficient to determine the role of this variant in disease conclusively. Therefore, this variant is classified as a Variant of Uncertain Significance.

This study involves interpretation of variants in research participants for the purpose of population health screening. Participant phenotype was not available at the time of variant classification. Additional details can be found in publication PMID: 35346344, PMCID: PMC8962531